The following is an entry in ClinVar:

ClinVar aggregate classification (germline): Uncertain significance (1 of 4 stars; one submission).

Submission:

Labcorp Genetics (formerly Invitae), Labcorp
Classification: Uncertain significance. Last evaluated: 2022-06-22. Review status: criteria provided, single submitter. Criteria: Invitae Variant Classification Sherloc (09022015). Collection method: clinical testing. Allele origin: germline.
Comment: This sequence change replaces serine, which is neutral and polar, with threonine, which is neutral and polar, at codon 886 of the PTPN23 protein (p.Ser886Thr). This variant is not present in population databases (gnomAD no frequency). This variant has not been reported in the literature in individuals affected with PTPN23-related conditions. Algorithms developed to predict the effect of missense changes on protein structure and function are either unavailable or do not agree on the potential impact of this missense change (SIFT: "Tolerated"; PolyPhen-2: "Not Available"; Align-GVGD: "Class C0"). In summary, the available evidence is currently insufficient to determine the role of this variant in disease. Therefore, it has been classified as a Variant of Uncertain Significance.

NM_015466.4(PTPN23):c.2657G>C (p.Ser886Thr)

Gene: PTPN23 (protein tyrosine phosphatase non-receptor type 23; plus strand). Cytogenetic location: 3p21.31.
Variant type: single nucleotide variant.
Coding change: c.2657G>C on transcript NM_015466.4 (MANE Select); coding-DNA position 2657, G replaced by C.
Protein change: p.Ser886Thr; replaces serine 886 with threonine.
Molecular consequence: missense variant.
Genome position (GRCh38, 1-based): chr3:47,410,455, G>C. VCF-style: chr3-47410455-G-C. GRCh37 (hg19) VCF-style: chr3-47451945-G-C.
Other names: c.2279G>C, p.Ser760Thr (NM_001304482.2); short protein forms S760T, S886T.
Identifiers: ClinVar variation 2009296 (VCV002009296.4), dbSNP rs2546250643, ClinGen allele CA352559616.